The following is an entry in ClinVar:

NM_001134831.2(AHI1):c.841G>T (p.Glu281Ter)

Gene: AHI1 (Abelson helper integration site 1; minus strand). Cytogenetic location: 6q23.3.
Variant type: single nucleotide variant.
Coding change: c.841G>T on transcript NM_001134831.2 (MANE Select); coding-DNA position 841, G replaced by T.
Protein change: p.Glu281Ter; replaces glutamic acid 281 with a stop codon.
Molecular consequence: nonsense.
Genome position (GRCh38, 1-based): chr6:135,463,215, C>A on the plus strand (G>T on the coding strand, the complement: AHI1 is on the minus strand). VCF-style: chr6-135463215-C-A. GRCh37 (hg19) VCF-style: chr6-135784353-C-A.
Other names: c.841G>T, p.Glu281Ter (NM_001134830.2, NM_001134832.2, NM_001350503.2 and 2 more transcripts); short protein forms E281*.
Identifiers: ClinVar variation 5013990 (VCV005013990.1).
Genomic context (GRCh38, chr6:135,463,215, plus strand): 5'-GTTTAGGTTTTGTATCATCTTGCATGCTGTCTTCTGTGCTTTGTTCCATTGAGCTTATTT[C>A]ATCATCTTGATGAGAATCTGAAGAAACTGATCTAACTGAAGATTCTTTCTTTTGTTCACC-3'

ClinVar aggregate classification (germline): Pathogenic (1 of 4 stars; one submission).

Conditions:
Joubert syndrome 3 (JBTS3). Also called: AHI1-related Ciliopathy. Identifiers: Orphanet 220493, MedGen C1837713, MONDO:0012078, OMIM 608629.

gnomAD v4.1: 6 of 1,609,916 alleles (0.00037%); highest among the groups gnomAD compares: East Asian, 0.013%; no homozygotes.

Submission:

Myriad Genetics, Inc.
Classification: Pathogenic for Joubert syndrome 3. Last evaluated: 2025-01-20. Review status: criteria provided, single submitter. Criteria: Myriad Autosomal Dominant, Autosomal Recessive and X-Linked Classification Criteria (2023). Collection method: clinical testing. Allele origin: unknown.
Comment: NM_001134831.1(AHI1):c.841G>T(E281*) is expected to be pathogenic in the context of Joubert syndrome, AHI1-related. This variant is predicted to lead to an abnormal or absent protein product due to the creation of a premature termination codon in AHI1, a gene where loss-of-function variants are known to be pathogenic. Please note: this variant was assessed in the context of healthy population screening.